The following is an entry in ClinVar:

ClinVar aggregate classification (germline): Likely benign. Review status: criteria provided, single submitter (1 of 4 stars). 2 submissions from 2 submitters: Likely benign (1). 1 of the submissions does not count toward it. Last evaluated 2024-01-23.

Conditions:
MADD-related disorder. Also called: MADD-related condition; MADD-Related Disorders.

Allele frequency attached by ClinVar (database versions not stated): ExAC 0.00021; ESP Exome Variant Server 0.00031; 1000 Genomes Project 0.00040; 1000 Genomes Project 30x 0.00047; TOPMed 0.00067; gnomAD 0.00071.
gnomAD v4.1: 189 of 1,614,082 alleles (0.012%); highest among the groups gnomAD compares: African/African-American, 0.24%; no homozygotes.

Submissions (2):

Blueprint Genetics
Classification: Likely benign. Last evaluated: 2024-01-23. Review status: criteria provided, single submitter. Criteria: ACMG Guidelines, 2015. Collection method: clinical testing. Allele origin: germline.

PreventionGenetics, part of Exact Sciences
Classification: Likely benign for MADD-related condition. Last evaluated: 2019-03-20. Review status: no assertion criteria provided. Collection method: clinical testing. Allele origin: germline. Not counted in ClinVar's aggregate classification.
Comment: This variant is classified as likely benign based on ACMG/AMP sequence variant interpretation guidelines (Richards et al. 2015 PMID: 25741868, with internal and published modifications).

NM_001376571.1(MADD):c.4440C>T (p.Tyr1480=)

Gene: MADD (MAP kinase activating death domain; plus strand). Cytogenetic location: 11p11.2.
Variant type: single nucleotide variant.
Coding change: c.4440C>T on transcript NM_001376571.1 (MANE Select); coding-DNA position 4440, C replaced by T.
Protein change: p.Tyr1480=; no amino-acid change (tyrosine 1480 retained).
Molecular consequence: synonymous variant. On other transcripts: non-coding transcript variant (8).
Genome position (GRCh38, 1-based): chr11:47,323,733, C>T. VCF-style: chr11-47323733-C-T. GRCh37 (hg19) VCF-style: chr11-47345284-C-T.
Other names: c.4131C>T, p.Tyr1377= (NM_001135943.2); c.4122C>T, p.Tyr1374= (NM_001135944.2, NM_001376618.1, NM_001376619.1 and 2 more transcripts); c.4428C>T, p.Tyr1476= (NM_001376572.1, NM_001376573.1, NM_001376599.1 and 2 more transcripts); c.4386C>T, p.Tyr1462= (NM_001376574.1, NM_001376605.1); c.4380C>T, p.Tyr1460= (NM_001376575.1); c.4368C>T, p.Tyr1456= (NM_001376576.1, NM_001376577.1, NM_001376610.1); c.4341C>T, p.Tyr1447= (NM_001376578.1); c.4314C>T, p.Tyr1438= (NM_001376579.1, NM_001376580.1, NM_001376622.1 and 1 more transcripts); and 43 more.
Identifiers: ClinVar variation 3058141 (VCV003058141.3), dbSNP rs150829463, ClinGen allele CA5975151.